The following is an entry in ClinVar:

ClinVar aggregate classification (germline): Pathogenic (1 of 4 stars; one submission).

Conditions:
Supravalvar aortic stenosis (SVAS). Also called: Supravalvar aortic stenosis, Eisenberg type. Identifiers: Orphanet 3193, MedGen C0003499, MONDO:0008504, OMIM 185500, HP:0004381.

Submission:

Labcorp Genetics (formerly Invitae), Labcorp
Classification: Pathogenic for Supravalvar aortic stenosis. Last evaluated: 2021-12-09. Review status: criteria provided, single submitter. Criteria: Invitae Variant Classification Sherloc (09022015). Collection method: clinical testing. Allele origin: germline.
Comment: For these reasons, this variant has been classified as Pathogenic. This variant has not been reported in the literature in individuals affected with ELN-related conditions. This variant is not present in population databases (gnomAD no frequency). This sequence change creates a premature translational stop signal (p.Leu204Trpfs*119) in the ELN gene. It is expected to result in an absent or disrupted protein product. Loss-of-function variants in ELN are known to be pathogenic (PMID: 11175284).

Literature cited by the submitters: PubMed 11175284.

NM_000501.4(ELN):c.609del (p.Leu204fs)

Gene: ELN (elastin; plus strand). Cytogenetic location: 7q11.23.
Variant type: Deletion.
Coding change: c.609del on transcript NM_000501.4 (MANE Select); coding-DNA position 609, one base deleted (A; older notation c.609delA).
Protein change: p.Leu204fs; shifts the reading frame from leucine 204.
Molecular consequence: frameshift variant.
Genome position (GRCh38, 1-based): chr7:74,046,733, A deleted. VCF-style (leftmost placement, unchanged base first): chr7-74046732-CA-C. GRCh37 (hg19) VCF-style: chr7-73461062-CA-C.
Other names: c.579del, p.Leu194fs (NM_001081752.3, NM_001278917.2); c.624del, p.Leu209fs (NM_001081753.3, NM_001081754.3); c.609del, p.Leu204fs (NM_001081755.3, NM_001278912.2, NM_001278915.2 and 2 more transcripts); c.543del, p.Leu182fs (NM_001278913.2); c.594del, p.Leu199fs (NM_001278914.2); c.477del, p.Leu160fs (NM_001278918.2); short protein forms L160fs, L204fs, L209fs, L182fs, L194fs, L199fs.
Identifiers: ClinVar variation 2038896 (VCV002038896.4), dbSNP rs2485385008, ClinGen allele CA2580077342.